The following is an entry in ClinVar:

NM_000435.3(NOTCH3):c.6440G>A (p.Gly2147Asp)

Gene: NOTCH3 (notch receptor 3; minus strand). Cytogenetic location: 19p13.12.
Variant type: single nucleotide variant.
Coding change: c.6440G>A on transcript NM_000435.3 (MANE Select); coding-DNA position 6440, G replaced by A.
Protein change: p.Gly2147Asp; replaces glycine 2147 with aspartic acid.
Molecular consequence: missense variant.
Genome position (GRCh38, 1-based): chr19:15,161,188, C>T on the plus strand (G>A on the coding strand, the complement: NOTCH3 is on the minus strand). VCF-style: chr19-15161188-C-T. GRCh37 (hg19) VCF-style: chr19-15271999-C-T.
Other names: short protein forms G2147D.
Identifiers: ClinVar variation 804649 (VCV000804649.5), dbSNP rs897705605, ClinGen allele CA305758212.
Genomic context (GRCh38, chr19:15,161,188, plus strand): 5'-GCCACAGGGTTCAGCAGGCCCAGGCTGAGTACACATCCTCCAGGGGGCTGGCGCCCTAGA[C>T]CCGCCCGGCCTGGGCCACCAAGCTGTGCCAGAGACACTGCAGTGGCAGTGGCAGCTGCAT-3'
Protein context (NP_000426.2, residues 2137-2157): LAQLGGPGRA[Gly2147Asp]LGRQPPGGCV

ClinVar aggregate classification (germline): Uncertain significance. Review status: criteria provided, multiple submitters, no conflicts (2 of 4 stars). 2 submissions from 2 submitters: Uncertain significance (2). Last evaluated 2022-12-15.

Allele frequency attached by ClinVar (database versions not stated): gnomAD 0.00001; TOPMed 0.00004.

Submissions (2):

Labcorp Genetics (formerly Invitae), Labcorp
Classification: Uncertain significance. Last evaluated: 2022-12-15. Review status: criteria provided, single submitter. Criteria: Invitae Variant Classification Sherloc (09022015). Collection method: clinical testing. Allele origin: germline.
Comment: Advanced modeling of protein sequence and biophysical properties (such as structural, functional, and spatial information, amino acid conservation, physicochemical variation, residue mobility, and thermodynamic stability) performed at Invitae indicates that this missense variant is not expected to disrupt NOTCH3 protein function. In summary, the available evidence is currently insufficient to determine the role of this variant in disease. Therefore, it has been classified as a Variant of Uncertain Significance. ClinVar contains an entry for this variant (Variation ID: 804649). This variant has not been reported in the literature in individuals affected with NOTCH3-related conditions. This variant is not present in population databases (gnomAD no frequency). This sequence change replaces glycine, which is neutral and non-polar, with aspartic acid, which is acidic and polar, at codon 2147 of the NOTCH3 protein (p.Gly2147Asp).

Athena Diagnostics
Classification: Uncertain significance. Last evaluated: 2019-06-06. Review status: criteria provided, single submitter. Criteria: Athena Diagnostics Criteria. Collection method: clinical testing. Allele origin: germline.